The following is an entry in ClinVar:

NM_004933.3(CDH15):c.264T>C (p.Asp88=)

Gene: CDH15 (cadherin 15; plus strand). Cytogenetic location: 16q24.3.
Variant type: single nucleotide variant.
Coding change: c.264T>C on transcript NM_004933.3 (MANE Select); coding-DNA position 264, T replaced by C.
Protein change: p.Asp88=; no amino-acid change (aspartic acid 88 retained).
Molecular consequence: synonymous variant.
Genome position (GRCh38, 1-based): chr16:89,180,262, T>C. VCF-style: chr16-89180262-T-C. GRCh37 (hg19) VCF-style: chr16-89246670-T-C.
Identifiers: ClinVar variation 128651 (VCV000128651.9), dbSNP rs59865771, ClinGen allele CA152242.
Genomic context (GRCh38, chr16:89,180,262, plus strand): 5'-CAAGTCGGACAAGCAGCAGCTGGGCAGCGTCATCTACAGCATCCAGGGACCCGGCGTGGA[T>C]GAGGAGCCCCGGGGCGTCTTCTCTATCGACAAGTTCACAGGGAAGGTCTTCCTCAATGCC-3'
Protein context (NP_004924.1, residues 78-98): VIYSIQGPGV[Asp88=]EEPRGVFSID

ClinVar aggregate classification (germline): Benign. Review status: criteria provided, multiple submitters, no conflicts (2 of 4 stars). 3 submissions from 3 submitters: Benign (2). 1 of the submissions does not count toward it. Last evaluated 2015-03-03.

Allele frequency attached by ClinVar (database versions not stated): ExAC 0.35648; 1000 Genomes Project 30x 0.41599; 1000 Genomes Project 0.43091; gnomAD 0.30623 and 0.29473; ESP Exome Variant Server 0.26793; gnomAD exomes 0.28565 and 0.33874; TOPMed 0.30036.
gnomAD v4.1: 464,239 of 1,608,416 alleles (29%); highest among the groups gnomAD compares: East Asian, 78%; 75,613 homozygotes.

Submissions (3):

GeneDx
Classification: Benign. Last evaluated: 2015-03-03. Review status: criteria provided, single submitter. Criteria: GeneDx Variant Classification Process June 2021. Collection method: clinical testing. Allele origin: germline. Affected: yes.

Breakthrough Genomics
Classification: Benign. Review status: criteria provided, single submitter. Criteria: ACMG Guidelines, 2015. Collection method: not provided. Allele origin: germline. Inheritance: Autosomal dominant inheritance. Affected: yes.

Genetic Services Laboratory, University of Chicago
Classification: Likely benign for AllHighlyPenetrant. Review status: no assertion criteria provided. Collection method: clinical testing. Allele origin: germline. Inheritance: Autosomal dominant inheritance. Not counted in ClinVar's aggregate classification.
Comment: Likely benign based on allele frequency in 1000 Genomes Project or ESP global frequency and its presence in a patient with a rare or unrelated disease phenotype. NOT Sanger confirmed.